The following is an entry in ClinVar:

NM_000093.5(COL5A1):c.3947C>G (p.Pro1316Arg)

Gene: COL5A1 (collagen type V alpha 1 chain; plus strand). Cytogenetic location: 9q34.3.
Variant type: single nucleotide variant.
Coding change: c.3947C>G on transcript NM_000093.5 (MANE Select); coding-DNA position 3947, C replaced by G.
Protein change: p.Pro1316Arg; replaces proline 1316 with arginine.
Molecular consequence: missense variant.
Genome position (GRCh38, 1-based): chr9:134,814,837, C>G. VCF-style: chr9-134814837-C-G. GRCh37 (hg19) VCF-style: chr9-137706683-C-G.
Other names: c.3947C>G, p.Pro1316Arg (NM_001278074.1); short protein forms P1316R.
Identifiers: ClinVar variation 1016078 (VCV001016078.13), dbSNP rs371550819, ClinGen allele CA5320081.
Genomic context (GRCh38, chr9:134,814,837, plus strand): 5'-CACTGGCCTCTTTCCTCCAGGGACCCAAAGGAGAAAGGGGAGAGAAGGGCGAGTCAGGCC[C>G]TTCAGGTGCTGCCGGACCCCCTGGACCCAAAGGCCCTCCCGGAGATGATGGTCCCAAAGG-3'
Protein context (NP_000084.3, residues 1306-1326): GERGEKGESG[Pro1316Arg]SGAAGPPGPK

ClinVar aggregate classification (germline): Conflicting classifications of pathogenicity. Review status: criteria provided, conflicting classifications (1 of 4 stars). 4 submissions from 4 submitters: Uncertain significance (3); Benign (1). Last evaluated 2026-01-26.

Conditions:
Ehlers-Danlos syndrome, classic type, 1 (EDSCL1). Also called: EHLERS-DANLOS SYNDROME, GRAVIS TYPE; EHLERS-DANLOS SYNDROME, SEVERE CLASSIC TYPE; EDS I; Ehlers-Danlos Syndrome, Classic Type, COL5A1-Related; Ehlers-Danlos syndrome, type 1. Identifiers: MedGen C0268335, MONDO:0019567, OMIM 130000.
Familial thoracic aortic aneurysm and aortic dissection (TAAD). Also called: Thoracic aortic aneurysms and dissections. Identifiers: Orphanet 91387, MedGen C4707243, MONDO:0019625.

Allele frequency attached by ClinVar (database versions not stated): TOPMed 0.00001; gnomAD exomes 0.00003; gnomAD 0.00001; ExAC 0.00005; ESP Exome Variant Server 0.00008.
gnomAD v4.1: 48 of 1,551,948 alleles (0.0031%); highest among the groups gnomAD compares: Non-Finnish European, 0.0034%; no homozygotes.

Submissions (4):

Labcorp Genetics (formerly Invitae), Labcorp
Classification: Benign for Ehlers-Danlos syndrome, classic type, 1. Last evaluated: 2026-01-26. Review status: criteria provided, single submitter. Criteria: Invitae Variant Classification Sherloc (09022015). Collection method: clinical testing. Allele origin: germline.

Women's Health and Genetics/Laboratory Corporation of America, LabCorp
Classification: Uncertain significance. Last evaluated: 2024-02-06. Review status: criteria provided, single submitter. Criteria: LabCorp Variant Classification Summary - May 2015. Collection method: clinical testing. Allele origin: germline.
Comment: Variant summary: COL5A1 c.3947C>G (p.Pro1316Arg) results in a non-conservative amino acid change in the encoded protein sequence. Four of five in-silico tools predict a damaging effect of the variant on protein function. The variant allele was found at a frequency of 2.5e-05 in 157144 control chromosomes (gnomAD). The available data on variant occurrences in the general population are insufficient to allow any conclusion about variant significance. To our knowledge, no occurrence of c.3947C>G in individuals affected with Ehlers-Danlos Syndrome and no experimental evidence demonstrating its impact on protein function have been reported. ClinVar contains an entry for this variant (Variation ID: 1016078). Based on the evidence outlined above, the variant was classified as uncertain significance.

Ambry Genetics
Classification: Uncertain significance for Familial thoracic aortic aneurysm and aortic dissection. Last evaluated: 2023-08-07. Review status: criteria provided, single submitter. Criteria: Ambry Variant Classification Scheme 2023. Collection method: clinical testing. Allele origin: germline.
Comment: The p.P1316R variant (also known as c.3947C>G), located in coding exon 50 of the COL5A1 gene, results from a C to G substitution at nucleotide position 3947. The proline at codon 1316 is replaced by arginine, an amino acid with dissimilar properties. This amino acid position is highly conserved in available vertebrate species. In addition, the in silico prediction for this alteration is inconclusive. Since supporting evidence is limited at this time, the clinical significance of this alteration remains unclear.

GeneDx
Classification: Uncertain significance. Last evaluated: 2022-09-14. Review status: criteria provided, single submitter. Criteria: GeneDx Variant Classification Process June 2021. Collection method: clinical testing. Allele origin: germline. Affected: yes.
Comment: In silico analysis supports that this missense variant has a deleterious effect on protein structure/function; Occurs in the triple helical domain at the X position in the canonical Gly-X-Y repeat; although this variant may have an effect on normal protein folding and function, missense substitution at the X position is not a common mechanism of disease (Symoens et al., 2012; HGMD); Has not been previously published as pathogenic or benign to our knowledge; This variant is associated with the following publications: (PMID: 22696272)